The following is an entry in ClinVar:

ClinVar aggregate classification (germline): Conflicting classifications of pathogenicity. Review status: criteria provided, conflicting classifications (1 of 4 stars). 2 submissions from 2 submitters: Uncertain significance (1); Likely benign (1). Last evaluated 2026-02-01.

Submissions (2):

CeGaT Center for Human Genetics Tuebingen
Classification: Likely benign. Last evaluated: 2026-02-01. Review status: criteria provided, single submitter. Criteria: CeGaT Center For Human Genetics Tuebingen Variant Classification Criteria Version 2. Collection method: clinical testing. Allele origin: germline. Affected: yes. Observed: 1 variant allele.
Comment: SRRM2: BS1

GeneDx
Classification: Uncertain significance. Last evaluated: 2025-01-31. Review status: criteria provided, single submitter. Criteria: GeneDx Variant Classification Process June 2021. Collection method: clinical testing. Allele origin: germline. Affected: yes.
Comment: Not observed at significant frequency in large population cohorts (gnomAD); In-frame duplication of 1 amino acid(s) in a repetitive region with no known function; Has not been previously published as pathogenic or benign to our knowledge

NM_016333.4(SRRM2):c.7857CTC[8] (p.Ser2648_Pro2649insSer)

Gene: SRRM2 (serine/arginine repetitive matrix 2; plus strand). Cytogenetic location: 16p13.3.
Variant type: Microsatellite.
Coding change: c.7857CTC[8] on transcript NM_016333.4 (MANE Select); eight copies in a row of the 3-base unit CTC starting at c.7857; the reference has seven copies in a row; one copy, 3 bases duplicated.
Protein change: p.Ser2648_Pro2649insSer.
Genome position (GRCh38, 1-based): chr16:2,769,138-2,769,140, CTC duplicated; duplicating any 3 consecutive bases within chr16:2,769,118-2,769,140 gives the same sequence; the position shown is the placement nearest the transcript's 3' end. VCF-style (leftmost placement, unchanged base first): chr16-2769117-T-TTCC. GRCh37 (hg19) VCF-style: chr16-2819118-T-TTCC.
Identifiers: ClinVar variation 4072527 (VCV004072527.5).
Genomic context (GRCh38, chr16:2,769,117, plus strand): 5'-AACCCCAGCCAAACGGAAGAGGCGCTCTAGCAGTTCCAGTTCCAGCTCCTCCTCTTCATC[T>TTCC]TCCTCCTCCTCCTCCTCCTCCTCTTCTTCCTCCTCCTCTTCCTCTTCTTCTTCTTCCTCC-3'